The following is an entry in ClinVar:

NM_020884.7(MYH7B):c.1977+3A>G

Gene: MYH7B (myosin heavy chain 7B; plus strand). Cytogenetic location: 20q11.22.
Variant type: single nucleotide variant.
Coding change: c.1977+3A>G on transcript NM_020884.7 (MANE Select); 3 bases into the intron after coding-DNA position 1977, A replaced by G.
Molecular consequence: intron variant.
Genome position (GRCh38, 1-based): chr20:34,990,313, A>G. VCF-style: chr20-34990313-A-G. GRCh37 (hg19) VCF-style: chr20-33578116-A-G.
Identifiers: ClinVar variation 2179105 (VCV002179105.4), dbSNP rs1044641408, ClinGen allele CA313474716.

ClinVar aggregate classification (germline): Uncertain significance (1 of 4 stars; one submission).

Allele frequency attached by ClinVar (database versions not stated): gnomAD exomes below 0.00001; TOPMed below 0.00001; gnomAD 0.00001.
gnomAD v4.1: 4 of 1,614,114 alleles (0.00025%); highest among the groups gnomAD compares: Non-Finnish European, 0.00034%; no homozygotes.

Submission:

Labcorp Genetics (formerly Invitae), Labcorp
Classification: Uncertain significance. Last evaluated: 2023-05-08. Review status: criteria provided, single submitter. Criteria: Invitae Variant Classification Sherloc (09022015). Collection method: clinical testing. Allele origin: germline.
Comment: This sequence change falls in intron 22 of the MYH7B gene. It does not directly change the encoded amino acid sequence of the MYH7B protein. It affects a nucleotide within the consensus splice site. This variant is not present in population databases (gnomAD no frequency). This variant has not been reported in the literature in individuals affected with MYH7B-related conditions. ClinVar contains an entry for this variant (Variation ID: 2179105). Variants that disrupt the consensus splice site are a relatively common cause of aberrant splicing (PMID: 17576681, 9536098). Algorithms developed to predict the effect of sequence changes on RNA splicing suggest that this variant is not likely to affect RNA splicing. In summary, the available evidence is currently insufficient to determine the role of this variant in disease. Therefore, it has been classified as a Variant of Uncertain Significance.

Literature cited by the submitters: PubMed 17576681; PubMed 9536098.